The following is an entry in ClinVar:

NM_007294.4(BRCA1):c.2897T>C (p.Ile966Thr)

Gene: BRCA1 (BRCA1 DNA repair associated; minus strand). Cytogenetic location: 17q21.31.
Variant type: single nucleotide variant.
Coding change: c.2897T>C on transcript NM_007294.4 (MANE Select); coding-DNA position 2897, T replaced by C.
Protein change: p.Ile966Thr; replaces isoleucine 966 with threonine.
Molecular consequence: missense variant. On other transcripts: intron variant (137).
Genome position (GRCh38, 1-based): chr17:43,092,634, A>G on the plus strand (T>C on the coding strand, the complement: BRCA1 is on the minus strand). VCF-style: chr17-43092634-A-G. GRCh37 (hg19) VCF-style: chr17-41244651-A-G.
Other names: c.2684T>C, p.Ile895Thr (NM_001407571.1, NM_001407853.1, NM_001407894.1 and 9 more transcripts); c.2897T>C, p.Ile966Thr (NM_001407581.1, NM_001407582.1, NM_001407583.1 and 30 more transcripts); c.2894T>C, p.Ile965Thr (NM_001407587.1, NM_001407590.1, NM_001407591.1 and 22 more transcripts); c.2888T>C, p.Ile963Thr (NM_001407646.1, NM_001407647.1); c.2774T>C, p.Ile925Thr (NM_001407648.1, NM_001407664.1, NM_001407665.1 and 19 more transcripts); c.2771T>C, p.Ile924Thr (NM_001407649.1, NM_001407670.1, NM_001407671.1 and 11 more transcripts); c.2819T>C, p.Ile940Thr (NM_001407653.1, NM_001407654.1, NM_001407655.1 and 4 more transcripts); c.2816T>C, p.Ile939Thr (NM_001407659.1, NM_001407660.1, NM_001407661.1 and 1 more transcripts); and 41 more; short protein forms I966T, I919T, I896T, I898T, I963T, I939T, I670T, I798T.
Identifiers: ClinVar variation 246006 (VCV000246006.24), dbSNP rs879254045, ClinGen allele CA10584563.

ClinVar aggregate classification (germline): Conflicting classifications of pathogenicity. Review status: criteria provided, conflicting classifications (1 of 4 stars). 6 submissions from 6 submitters: Uncertain significance (5); Likely benign (1). Last evaluated 2025-07-21.

Conditions:
Hereditary cancer-predisposing syndrome. Also called: Tumor predisposition; Neoplastic Syndromes, Hereditary; Hereditary Cancer Syndrome; Hereditary neoplastic syndrome. Identifiers: Orphanet 140162, MedGen C0027672, MeSH D009386, MONDO:0015356.
Hereditary breast ovarian cancer syndrome. Also called: Hereditary breast and ovarian cancer syndrome; Hereditary breast and ovarian cancer; Hereditary breast and ovarian cancer syndrome (HBOC); Hereditary breast and/or ovarian cancer syndrome; Breast and ovarian cancer; BRCA1- and BRCA2-Associated Hereditary Breast and Ovarian Cancer. Identifiers: Orphanet 145, MedGen C0677776, MeSH D061325, MONDO:0003582. Disease mechanism: loss of function.

Allele frequency attached by ClinVar (database versions not stated): gnomAD exomes below 0.00001; gnomAD 0.00002.
gnomAD v4.1: 4 of 1,613,986 alleles (0.00025%); highest among the groups gnomAD compares: African/African-American, 0.004%; no homozygotes.

Submissions (6):

Labcorp Genetics (formerly Invitae), Labcorp
Classification: Uncertain significance for Hereditary breast ovarian cancer syndrome. Last evaluated: 2025-07-21. Review status: criteria provided, single submitter. Criteria: Invitae Variant Classification Sherloc (09022015). Collection method: clinical testing. Allele origin: germline.
Comment: This sequence change replaces isoleucine, which is neutral and non-polar, with threonine, which is neutral and polar, at codon 966 of the BRCA1 protein (p.Ile966Thr). This variant is present in population databases (no rsID available, gnomAD 0.02%). This variant has not been reported in the literature in individuals affected with BRCA1-related conditions. ClinVar contains an entry for this variant (Variation ID: 246006). Invitae Evidence Modeling of protein sequence and biophysical properties (such as structural, functional, and spatial information, amino acid conservation, physicochemical variation, residue mobility, and thermodynamic stability) indicates that this missense variant is not expected to disrupt BRCA1 protein function with a negative predictive value of 80%. In summary, the available evidence is currently insufficient to determine the role of this variant in disease. Therefore, it has been classified as a Variant of Uncertain Significance.

Ambry Genetics
Classification: Uncertain significance for Hereditary cancer-predisposing syndrome. Last evaluated: 2024-09-23. Review status: criteria provided, single submitter. Criteria: Ambry Variant Classification Scheme 2023. Collection method: clinical testing. Allele origin: germline.
Comment: The p.I966T variant (also known as c.2897T>C), located in coding exon 9 of the BRCA1 gene, results from a T to C substitution at nucleotide position 2897. The isoleucine at codon 966 is replaced by threonine, an amino acid with similar properties. This amino acid position is not well conserved in available vertebrate species. In addition, this alteration is predicted to be tolerated by in silico analysis. Since supporting evidence is limited at this time, the clinical significance of this alteration remains unclear.

University of Washington Department of Laboratory Medicine, University of Washington
Classification: Likely benign for Hereditary cancer-predisposing syndrome. Last evaluated: 2023-03-23. Review status: criteria provided, single submitter. Criteria: Dines et al. (Genet Med. 2020). Collection method: curation. Allele origin: germline.
Comment: Missense variant in a coldspot region where missense variants are very unlikely to be pathogenic (PMID:31911673).

BRCA1 coldspot (exon 11 using historical exon numbering). Reclassification based on statistical prior probability

Women's Health and Genetics/Laboratory Corporation of America, LabCorp
Classification: Uncertain significance. Last evaluated: 2018-10-12. Review status: criteria provided, single submitter. Criteria: LabCorp Variant Classification Summary - May 2015. Collection method: clinical testing. Allele origin: germline.
Comment: Variant summary: BRCA1 c.2897T>C (p.Ile966Thr) results in a non-conservative amino acid change in the encoded protein sequence. Four of five in-silico tools predict a benign effect of the variant on protein function. The variant was absent in 121300 control chromosomes. The available data on variant occurrences in the general population are insufficient to allow any conclusion about variant significance. To our knowledge, no occurrence of c.2897T>C in individuals affected with Hereditary Breast and Ovarian Cancer and no experimental evidence demonstrating its impact on protein function have been reported. Two clinical diagnostic laboratories have submitted clinical-significance assessments for this variant to ClinVar after 2014 without evidence for independent evaluation and both classified the variant as uncertain significance. Based on the evidence outlined above, the variant was classified as uncertain significance.

Quest Diagnostics Nichols Institute San Juan Capistrano
Classification: Uncertain significance. Last evaluated: 2018-07-13. Review status: criteria provided, single submitter. Criteria: Quest Diagnostics criteria. Collection method: clinical testing. Allele origin: germline.

GeneDx
Classification: Uncertain significance. Last evaluated: 2015-10-20. Review status: criteria provided, single submitter. Criteria: GeneDx Variant Classification (06012015). Collection method: clinical testing. Allele origin: germline. Affected: yes.
Comment: This variant is denoted BRCA1 c.2897T>C at the cDNA level, p.Ile966Thr (I966T) at the protein level, and results in the change of an Isoleucine to a Threonine (ATT>ACT). Using alternate nomenclature, this variant would be defined as BRCA1 3016T>C. This variant has not, to our knowledge, been published in the literature as being pathogenic or benign. BRCA1 Ile966Thr was not observed in approximately 6,500 individuals of European and African American ancestry in the NHLBI Exome Sequencing Project, indicating it is not a common benign variant in these populations. Since Isoleucine and Threonine differ in polarity, charge, size or other properties, this is considered a non-conservative amino acid substitution. BRCA1 Ile966Thr occurs at a position that is not conserved and is located in the DNA binding domain and a region known to interact with multiple other proteins (Narod 2004, Paul 2014). In silico analyses predict that this variant is unlikely to alter protein structure or function. Based on currently available evidence, it is unclear whether BRCA1 Ile966Thr is pathogenic or benign.